The following is an entry in ClinVar:

NM_001114748.2(TMEM240):c.415G>C (p.Glu139Gln)

Gene: TMEM240 (transmembrane protein 240; minus strand). Cytogenetic location: 1p36.33.
Variant type: single nucleotide variant.
Coding change: c.415G>C on transcript NM_001114748.2 (MANE Select); coding-DNA position 415, G replaced by C.
Protein change: p.Glu139Gln; replaces glutamic acid 139 with glutamine.
Molecular consequence: missense variant.
Genome position (GRCh38, 1-based): chr1:1,535,466, C>G on the plus strand (G>C on the coding strand, the complement: TMEM240 is on the minus strand). VCF-style: chr1-1535466-C-G. GRCh37 (hg19) VCF-style: chr1-1470846-C-G.
Other names: short protein forms E139Q.
Identifiers: ClinVar variation 3068934 (VCV003068934.2), dbSNP rs1481467751, ClinGen allele CA337866075.

ClinVar aggregate classification (germline): Uncertain significance (1 of 4 stars; one submission).

Allele frequency attached by ClinVar (database versions not stated): TOPMed below 0.00001; gnomAD 0.00001.
gnomAD v4.1: 1 of 1,548,890 alleles (0.000065%); highest among the groups gnomAD compares: East Asian, 0.0024%; no homozygotes.

Submission:

Women's Health and Genetics/Laboratory Corporation of America, LabCorp
Classification: Uncertain significance. Last evaluated: 2024-02-08. Review status: criteria provided, single submitter. Criteria: LabCorp Variant Classification Summary - May 2015. Collection method: clinical testing. Allele origin: germline.
Comment: Variant summary: TMEM240 c.415G>C (p.Glu139Gln) results in a conservative amino acid change in the encoded protein sequence. Three of four in-silico tools predict a benign effect of the variant on protein function. The variant was absent in 145186 control chromosomes. The available data on variant occurrences in the general population are insufficient to allow any conclusion about variant significance. To our knowledge, no occurrence of c.415G>C in individuals affected with Spinocerebellar Ataxia Type 21 and no experimental evidence demonstrating its impact on protein function have been reported. No submitters have cited clinical-significance assessments for this variant to ClinVar. Based on the evidence outlined above, the variant was classified as uncertain significance.